The following is an entry in ClinVar:

NM_001290321.3(DMXL1):c.6319A>T (p.Thr2107Ser)

Gene: DMXL1 (Dmx like 1; plus strand). Cytogenetic location: 5q23.1.
Variant type: single nucleotide variant.
Coding change: c.6319A>T on transcript NM_001290321.3 (MANE Select); coding-DNA position 6319, A replaced by T.
Protein change: p.Thr2107Ser; replaces threonine 2107 with serine.
Molecular consequence: missense variant. On other transcripts: non-coding transcript variant (3).
Genome position (GRCh38, 1-based): chr5:119,171,110, A>T. VCF-style: chr5-119171110-A-T. GRCh37 (hg19) VCF-style: chr5-118506805-A-T.
Other names: c.6319A>T, p.Thr2107Ser (NM_001349239.2, NM_001349240.2, NM_001387933.1 and 2 more transcripts); c.5614A>T, p.Thr1872Ser (NM_001387937.1); c.5332A>T, p.Thr1778Ser (NM_001387938.1); c.6319A>T (NM_001290321.2); short protein forms T1778S, T1872S, T2107S.
Identifiers: ClinVar variation 1253046 (VCV001253046.4), dbSNP rs9791092, ClinGen allele CA3380531.

ClinVar aggregate classification (germline): Benign. Review status: criteria provided, single submitter (1 of 4 stars). 2 submissions from 2 submitters: Benign (1). 1 of the submissions does not count toward it. Last evaluated 2020-06-15.

Conditions:
DMXL1-related disorder. Also called: DMXL1-related condition.

Allele frequency attached by ClinVar (database versions not stated): ESP Exome Variant Server 0.03899; gnomAD 0.05878 and 0.06330; TOPMed 0.05995; gnomAD exomes 0.06655 and 0.09238; ExAC 0.08614; 1000 Genomes Project 30x 0.10353; 1000 Genomes Project 0.11162.
gnomAD v4.1: 106,728 of 1,613,752 alleles (6.6%); highest among the groups gnomAD compares: East Asian, 44%; 7,901 homozygotes.

Submissions (2):

GeneDx
Classification: Benign. Last evaluated: 2020-06-15. Review status: criteria provided, single submitter. Criteria: GeneDx Variant Classification Process June 2021. Collection method: clinical testing. Allele origin: germline. Affected: yes.

PreventionGenetics, part of Exact Sciences
Classification: Benign for DMXL1-related condition. Last evaluated: 2019-02-20. Review status: no assertion criteria provided. Collection method: clinical testing. Allele origin: germline. Not counted in ClinVar's aggregate classification.
Comment: This variant is classified as benign based on ACMG/AMP sequence variant interpretation guidelines (Richards et al. 2015 PMID: 25741868, with internal and published modifications).